The following is an entry in ClinVar:

NM_001182.5(ALDH7A1):c.*2512G>A

Gene: ALDH7A1 (aldehyde dehydrogenase 7 family member A1; minus strand). Cytogenetic location: 5q23.2.
Variant type: single nucleotide variant.
Coding change: c.*2512G>A on transcript NM_001182.5 (MANE Select); 2512 bases downstream of the stop codon, G replaced by A.
Molecular consequence: 3 prime UTR variant.
Genome position (GRCh38, 1-based): chr5:126,542,453, C>T on the plus strand (G>A on the coding strand, the complement: ALDH7A1 is on the minus strand). VCF-style: chr5-126542453-C-T. GRCh37 (hg19) VCF-style: chr5-125878145-C-T.
Other names: c.*2512G>A (NM_001201377.2, NM_001202404.2).
Identifiers: ClinVar variation 350530 (VCV000350530.5), dbSNP rs76363408, ClinGen allele CA10622379.

ClinVar aggregate classification (germline): Benign (1 of 4 stars; one submission).

Conditions:
Pyridoxine-dependent epilepsy (EPEO4). Also called: Pyridoxine-Dependent Epilepsy - ALDH7A1; PYRIDOXINE DEPENDENCY WITH SEIZURES; EPILEPSY, EARLY-ONSET, 4, VITAMIN B6-DEPENDENT; Pyridoxine-Dependent Seizures. Identifiers: Orphanet 3006, MedGen C1849508, MONDO:0009945, OMIM 266100. Disease mechanism: loss of function.

Allele frequency attached by ClinVar (database versions not stated): gnomAD 0.00803 and 0.00874; 1000 Genomes Project 0.00839; TOPMed 0.00951; 1000 Genomes Project 30x 0.00906; gnomAD exomes 0.00926.

Submission:

Illumina Laboratory Services, Illumina
Classification: Benign for Pyridoxine-dependent epilepsy. Last evaluated: 2018-01-13. Review status: criteria provided, single submitter. Criteria: ICSL Variant Classification Criteria 13 December 2019. Collection method: clinical testing. Allele origin: germline.
Comment: This variant was observed in the ICSL laboratory as part of a predisposition screen in an ostensibly healthy population. It had not been previously curated by ICSL or reported in the Human Gene Mutation Database (HGMD: prior to June 1st, 2018), and was therefore a candidate for classification through an automated scoring system. Utilizing variant allele frequency, disease prevalence and penetrance estimates, and inheritance mode, an automated score was calculated to assess if this variant is too frequent to cause the disease. Based on the score and internal cut-off values, a variant classified as benign is not then subjected to further curation. The score for this variant resulted in a classification of benign for this disease.